The following is an entry in ClinVar:

NM_000214.3(JAG1):c.1352T>A (p.Ile451Asn)

Gene: JAG1 (jagged canonical Notch ligand 1; minus strand). Cytogenetic location: 20p12.2.
Variant type: single nucleotide variant.
Coding change: c.1352T>A on transcript NM_000214.3 (MANE Select); coding-DNA position 1352, T replaced by A.
Protein change: p.Ile451Asn; replaces isoleucine 451 with asparagine.
Molecular consequence: missense variant.
Genome position (GRCh38, 1-based): chr20:10,649,104, A>T on the plus strand (T>A on the coding strand, the complement: JAG1 is on the minus strand). VCF-style: chr20-10649104-A-T. GRCh37 (hg19) VCF-style: chr20-10629752-A-T.
Other names: c.1352T>A, p.Ile451Asn (LRG_1191t1); short protein forms I451N.
Identifiers: ClinVar variation 518782 (VCV000518782.11), dbSNP rs1178459436, ClinGen allele CA408238058.

ClinVar aggregate classification (germline): Uncertain significance. Review status: criteria provided, multiple submitters, no conflicts (2 of 4 stars). 4 submissions from 4 submitters: Uncertain significance (4). Last evaluated 2025-11-24.

Conditions:
JAG1-related disorder. Also called: JAG1-related condition; JAG1-related disorders.
Cardiovascular phenotype. Identifiers: MedGen CN230736.
Alagille syndrome due to a JAG1 point mutation. Also called: HEPATIC DUCTULAR HYPOPLASIA, SYNDROMATIC; Alagille Syndrome 1; JAG1-Related Alagille Syndrome. Identifiers: Orphanet 261619, Orphanet 52, MedGen C1956125, MONDO:0016862, OMIM 118450.

Allele frequency attached by ClinVar (database versions not stated): gnomAD exomes below 0.00001.
gnomAD v4.1: 1 of 1,601,292 alleles (0.000062%); highest among the groups gnomAD compares: East Asian, 0.0022%; no homozygotes.

Submissions (4):

PreventionGenetics, part of Exact Sciences
Classification: Uncertain significance for JAG1-related condition. Last evaluated: 2025-11-24. Review status: criteria provided, single submitter. Criteria: ACMG Guidelines, 2015. Collection method: clinical testing. Allele origin: germline.
Comment: The JAG1 c.1352T>A variant is predicted to result in the amino acid substitution p.Ile451Asn. To our knowledge, this variant has not been reported in the literature. This variant is reported in 0.0054% of alleles in individuals of East Asian descent in gnomAD. At this time, the clinical significance of this variant is uncertain due to the absence of conclusive functional and genetic evidence.

Labcorp Genetics (formerly Invitae), Labcorp
Classification: Uncertain significance for Alagille syndrome due to a JAG1 point mutation. Last evaluated: 2025-08-23. Review status: criteria provided, single submitter. Criteria: Invitae Variant Classification Sherloc (09022015). Collection method: clinical testing. Allele origin: germline.
Comment: This sequence change replaces isoleucine, which is neutral and non-polar, with asparagine, which is neutral and polar, at codon 451 of the JAG1 protein (p.Ile451Asn). This variant is present in population databases (no rsID available, gnomAD 0.006%). This variant has not been reported in the literature in individuals affected with JAG1-related conditions. ClinVar contains an entry for this variant (Variation ID: 518782). Invitae Evidence Modeling of protein sequence and biophysical properties (such as structural, functional, and spatial information, amino acid conservation, physicochemical variation, residue mobility, and thermodynamic stability) has been performed for this missense variant. However, the output from this modeling did not meet the statistical confidence thresholds required to predict the impact of this variant on JAG1 protein function. In summary, the available evidence is currently insufficient to determine the role of this variant in disease. Therefore, it has been classified as a Variant of Uncertain Significance.

Ambry Genetics
Classification: Uncertain significance for Cardiovascular phenotype. Last evaluated: 2025-05-05. Review status: criteria provided, single submitter. Criteria: Ambry Variant Classification Scheme 2023. Collection method: clinical testing. Allele origin: germline.
Comment: The p.I451N variant (also known as c.1352T>A), located in coding exon 11 of the JAG1 gene, results from a T to A substitution at nucleotide position 1352. The isoleucine at codon 451 is replaced by asparagine, an amino acid with dissimilar properties. This amino acid position is highly conserved in available vertebrate species. In addition, this alteration is predicted to be deleterious by in silico analysis. Since supporting evidence is limited at this time, the clinical significance of this alteration remains unclear.

GeneDx
Classification: Uncertain significance. Last evaluated: 2022-02-01. Review status: criteria provided, single submitter. Criteria: GeneDx Variant Classification Process June 2021. Collection method: clinical testing. Allele origin: germline. Affected: yes.
Comment: Not observed at significant frequency in large population cohorts (gnomAD); In silico analysis supports that this missense variant has a deleterious effect on protein structure/function; Has not been previously published as pathogenic or benign to our knowledge